The following is an entry in ClinVar:

ClinVar aggregate classification (germline): Likely benign (1 of 4 stars; one submission).

Allele frequency attached by ClinVar (database versions not stated): gnomAD exomes 0.00001 and 0.00004; TOPMed 0.00001.
gnomAD v4.1: 62 of 1,614,184 alleles (0.0038%); highest among the groups gnomAD compares: Middle Eastern, 0.016%; no homozygotes.

Submission:

GeneDx
Classification: Likely benign. Last evaluated: 2016-06-23. Review status: criteria provided, single submitter. Criteria: GeneDx Variant Classification (06012015). Collection method: clinical testing. Allele origin: germline. Affected: yes.
Comment: This variant is considered likely benign or benign based on one or more of the following criteria: it is a conservative change, it occurs at a poorly conserved position in the protein, it is predicted to be benign by multiple in silico algorithms, and/or has population frequency not consistent with disease.

NM_013391.3(DMGDH):c.480A>G (p.Glu160=)

Gene: DMGDH (dimethylglycine dehydrogenase; minus strand). Cytogenetic location: 5q14.1.
Variant type: single nucleotide variant.
Coding change: c.480A>G on transcript NM_013391.3 (MANE Select); coding-DNA position 480, A replaced by G.
Protein change: p.Glu160=; no amino-acid change (glutamic acid 160 retained).
Molecular consequence: synonymous variant.
Genome position (GRCh38, 1-based): chr5:79,054,244, T>C on the plus strand (A>G on the coding strand, the complement: DMGDH is on the minus strand). VCF-style: chr5-79054244-T-C. GRCh37 (hg19) VCF-style: chr5-78350067-T-C.
Identifiers: ClinVar variation 386709 (VCV000386709.1), dbSNP rs1057522583, ClinGen allele CA16604936.